The following is an entry in ClinVar:

ClinVar aggregate classification (germline): Uncertain significance (1 of 4 stars; one submission).

Conditions:
Cardiovascular phenotype. Identifiers: MedGen CN230736.

Submission:

Ambry Genetics
Classification: Uncertain significance for Cardiovascular phenotype. Last evaluated: 2025-03-23. Review status: criteria provided, single submitter. Criteria: Ambry Variant Classification Scheme 2023. Collection method: clinical testing. Allele origin: germline.
Comment: The p.Q187R variant (also known as c.560A>G), located in coding exon 5 of the EFEMP2 gene, results from an A to G substitution at nucleotide position 560. The glutamine at codon 187 is replaced by arginine, an amino acid with highly similar properties. This amino acid position is conserved. In addition, this alteration is predicted to be deleterious by in silico analysis. Based on the available evidence, the clinical significance of this variant remains unclear.

NM_016938.5(EFEMP2):c.560A>G (p.Gln187Arg)

Gene: EFEMP2 (EGF containing fibulin extracellular matrix protein 2; minus strand). Cytogenetic location: 11q13.1.
Variant type: single nucleotide variant.
Coding change: c.560A>G on transcript NM_016938.5 (MANE Select); coding-DNA position 560, A replaced by G.
Protein change: p.Gln187Arg; replaces glutamine 187 with arginine.
Molecular consequence: missense variant. On other transcripts: non-coding transcript variant (1).
Genome position (GRCh38, 1-based): chr11:65,870,168, T>C on the plus strand (A>G on the coding strand, the complement: EFEMP2 is on the minus strand). VCF-style: chr11-65870168-T-C. GRCh37 (hg19) VCF-style: chr11-65637639-T-C.
Other names: short protein forms Q187R.
Identifiers: ClinVar variation 4016513 (VCV004016513.1).
Genomic context (GRCh38, chr11:65,870,168, plus strand): 5'-AGCCCAGCCTCACCAACACAGGAGCGGTTGTTAGGCCCCAGCTGGAAGCCCGGCTCGCAC[T>C]GGCAGCGGAAGGAGCCAGGCAGGTTCACGCAGCGGTGCTGGCAGTAGCGGTAGCGGCACT-3'
Protein context (NP_058634.4, residues 177-197): CVNLPGSFRC[Gln187Arg]CEPGFQLGPN